The following is an entry in ClinVar:

NM_000127.3(EXT1):c.802G>C (p.Gly268Arg)

Gene: EXT1 (exostosin glycosyltransferase 1; minus strand). Cytogenetic location: 8q24.11.
Variant type: single nucleotide variant.
Coding change: c.802G>C on transcript NM_000127.3 (MANE Select); coding-DNA position 802, G replaced by C.
Protein change: p.Gly268Arg; replaces glycine 268 with arginine.
Molecular consequence: missense variant.
Genome position (GRCh38, 1-based): chr8:118,110,245, C>G on the plus strand (G>C on the coding strand, the complement: EXT1 is on the minus strand). VCF-style: chr8-118110245-C-G. GRCh37 (hg19) VCF-style: chr8-119122484-C-G.
Other names: short protein forms G268R.
Identifiers: ClinVar variation 449481 (VCV000449481.9), dbSNP rs1554601492, ClinGen allele CA371915018.

ClinVar aggregate classification (germline): Pathogenic/Likely pathogenic. Review status: criteria provided, multiple submitters, no conflicts (2 of 4 stars). 2 submissions from 2 submitters: Pathogenic (1); Likely pathogenic (1). Last evaluated 2021-04-29.

Conditions:
Multiple congenital exostosis (EXT). Also called: Multiple osteochondromas; MULTIPLE CARTILAGINOUS EXOSTOSES; Hereditary multiple osteochondromas; Multiple exostoses; Hereditary multiple exostoses; Hereditary multiple exostosis. Identifiers: Orphanet 321, MedGen C0015306, MONDO:0005508, HP:0002762.

Submissions (2):

Labcorp Genetics (formerly Invitae), Labcorp
Classification: Pathogenic for Multiple congenital exostosis. Last evaluated: 2021-04-29. Review status: criteria provided, single submitter. Criteria: Invitae Variant Classification Sherloc (09022015). Collection method: clinical testing. Allele origin: germline.
Comment: This variant disrupts the p.Gly268 amino acid residue in EXT1. Other variant(s) that disrupt this residue have been observed in individuals with EXT1-related conditions (PMID: 29529714), which suggests that this may be a clinically significant amino acid residue. For these reasons, this variant has been classified as Pathogenic. Advanced modeling of protein sequence and biophysical properties (such as structural, functional, and spatial information, amino acid conservation, physicochemical variation, residue mobility, and thermodynamic stability) performed at Invitae indicates that this missense variant is expected to disrupt EXT1 protein function. This missense change has been observed in individuals with multiple osteochondromas (PMID: 19810120, Invitae). ClinVar contains an entry for this variant (Variation ID: 449481). This variant is not present in population databases (ExAC no frequency). This sequence change replaces glycine with arginine at codon 268 of the EXT1 protein (p.Gly268Arg). The glycine residue is highly conserved and there is a moderate physicochemical difference between glycine and arginine.

GeneDx
Classification: Likely pathogenic. Last evaluated: 2018-07-27. Review status: criteria provided, single submitter. Criteria: GeneDx Variant Classification (06012015). Collection method: clinical testing. Allele origin: germline. Affected: yes.
Comment: The G268R variant been reported previously in association with multiple osteochondromas; however, the variant was listed as unpublished and the report contained no specific patient information (Jennes et al., 2009). It is not observed in large population cohorts (Lek et al., 2016). G268R is a non-conservative amino acid substitution, which is likely to impact secondary protein structure as these residues differ in polarity, charge, size and/or other properties. In-silico analyses, including protein predictors and evolutionary conservation, support a deleterious effect. A different nucleotide change also leading to G268R (c.802 G>A) has been reported in association with multiple osteochondromas; however, this variant was also listed as unpublished with no specific patient information (Jennes et al., 2009). Additionally, missense variants in the same residue (G268E) and in nearby residues (L264P, R270W, Y271N/H/C) have been reported in the Human Gene Mutation Database in association with multiple osteochondromas (Stenson et al., 2014), supporting the functional importance of this region of the protein. In summary, we consider this variant to be likely pathogenic.

Literature cited by the submitters: PubMed 29529714 (cited by Labcorp Genetics (formerly Invitae), Labcorp); PubMed 19810120 (cited by Labcorp Genetics (formerly Invitae), Labcorp).